The following is an entry in ClinVar:

NM_000321.3(RB1):c.1549A>T (p.Ile517Phe)

Gene: RB1 (RB transcriptional corepressor 1; plus strand). Cytogenetic location: 13q14.2.
Variant type: single nucleotide variant.
Coding change: c.1549A>T on transcript NM_000321.3 (MANE Select); coding-DNA position 1549, A replaced by T.
Protein change: p.Ile517Phe; replaces isoleucine 517 with phenylalanine.
Molecular consequence: missense variant.
Genome position (GRCh38, 1-based): chr13:48,381,297, A>T. VCF-style: chr13-48381297-A-T. GRCh37 (hg19) VCF-style: chr13-48955433-A-T.
Other names: c.1549A>T, p.Ile517Phe (NM_001407165.1, NM_001407166.1); short protein forms I517F.
Identifiers: ClinVar variation 3430904 (VCV003430904.1).
Genomic context (GRCh38, chr13:48,381,297, plus strand): 5'-TCATTTTTAGGAAGTACATCTCAGAATCTTGATTCTGGAACAGATTTGTCTTTCCCATGG[A>T]TTCTGAATGTGCTTAATTTAAAAGCCTTTGATTTTTACAAAGTGATCGAAAGTTTTATCA-3'
Protein context (NP_000312.2, residues 507-527): DSGTDLSFPW[Ile517Phe]LNVLNLKAFD

ClinVar aggregate classification (germline): Uncertain significance (1 of 4 stars; one submission).

Conditions:
Hereditary cancer-predisposing syndrome. Also called: Neoplastic Syndromes, Hereditary; Tumor predisposition; Hereditary Cancer Syndrome; Hereditary neoplastic syndrome. Identifiers: Orphanet 140162, MedGen C0027672, MeSH D009386, MONDO:0015356.

Submission:

Ambry Genetics
Classification: Uncertain significance for Hereditary cancer-predisposing syndrome. Last evaluated: 2024-10-28. Review status: criteria provided, single submitter. Criteria: Ambry Variant Classification Scheme 2023. Collection method: clinical testing. Allele origin: germline.
Comment: The p.I517F variant (also known as c.1549A>T), located in coding exon 17 of the RB1 gene, results from an A to T substitution at nucleotide position 1549. The isoleucine at codon 517 is replaced by phenylalanine, an amino acid with highly similar properties. This variant was identified in a cohort of Brazilian patients with retinoblastoma (Barbosa RH et al. Invest Ophthalmol Vis Sci, 2013 May;54:3184-94). This amino acid position is highly conserved in available vertebrate species. In addition, this alteration is predicted to be deleterious by in silico analysis. Based on the available evidence, the clinical significance of this variant remains unclear.

Literature cited by the submitters: PubMed 23532519.